The following is an entry in ClinVar:

ClinVar aggregate classification (germline): Pathogenic (1 of 4 stars; one submission).

Conditions:
TH-deficient dopa-responsive dystonia. Also called: Segawa syndrome, autosomal recessive; Tyrosine Hydroxylase-Deficient Dopa-Responsive Dystonia; DYT-TH. Identifiers: Orphanet 101150, MedGen C2673535, MONDO:0011551, OMIM 605407.

Submission:

Myriad Genetics, Inc.
Classification: Pathogenic for TH-deficient dopa-responsive dystonia. Last evaluated: 2026-01-20. Review status: criteria provided, single submitter. Criteria: Myriad Autosomal Dominant, Autosomal Recessive and X-Linked Classification Criteria (2023). Collection method: clinical testing. Allele origin: unknown.
Comment: NM_199292.2(TH):c.1177delG(E393Kfs*24) is expected to be pathogenic in the context of tyrosine hydroxylase deficiency. This variant is predicted to lead to an abnormal or absent protein product due to the creation of a premature termination codon in TH, a gene where loss-of-function variants are known to be pathogenic. Please note: this variant was assessed in the context of healthy population screening.

NM_000360.4(TH):c.1084del (p.Glu362fs)

Gene: TH (tyrosine hydroxylase; minus strand). Cytogenetic location: 11p15.5.
Variant type: Deletion.
Coding change: c.1084del on transcript NM_000360.4 (MANE Select); coding-DNA position 1084, one base deleted (G; older notation c.1084delG).
Protein change: p.Glu362fs; shifts the reading frame from glutamic acid 362.
Molecular consequence: frameshift variant.
Genome position (GRCh38, 1-based): chr11:2,166,022, C deleted on the plus strand (G on the coding strand, the reverse complement: TH is on the minus strand); the first of 2 consecutive C bases (chr11:2,166,022-2,166,023); deleting either gives the same sequence. VCF-style (leftmost placement, unchanged base first): chr11-2166021-TC-T. GRCh37 (hg19) VCF-style: chr11-2187251-TC-T.
Other names: c.1096del, p.Glu366fs (NM_001440535.1); c.814del, p.Glu272fs (NM_001440536.1); c.802del, p.Glu268fs (NM_001440537.1); c.1177del, p.Glu393fs (NM_199292.3); c.1165del, p.Glu389fs (NM_199293.3); short protein forms E268fs, E272fs, E362fs, E366fs, E389fs, E393fs.
Identifiers: ClinVar variation 5015452 (VCV005015452.1).